The following is an entry in ClinVar:

ClinVar aggregate classification (germline): Uncertain significance. Review status: criteria provided, multiple submitters, no conflicts (2 of 4 stars). 4 submissions from 4 submitters: Uncertain significance (4). Last evaluated 2023-04-11.

Conditions:
MHC class II deficiency. Also called: BLS, TYPE II; Bare lymphocyte syndrome 2. Identifiers: Orphanet 572, MedGen C5447452, MONDO:0008855.

Allele frequency attached by ClinVar (database versions not stated): gnomAD exomes 0.00005 and 0.00009; ExAC 0.00010; 1000 Genomes Project 30x 0.00016; 1000 Genomes Project 0.00020; ESP Exome Variant Server 0.00023; gnomAD 0.00024 and 0.00025; TOPMed 0.00026.

Submissions (4):

Genome-Nilou Lab
Classification: Uncertain significance for MHC class II deficiency 1. Last evaluated: 2023-04-11. Review status: criteria provided, single submitter. Criteria: ACMG Guidelines, 2015. Collection method: clinical testing. Allele origin: germline. Affected: no.

Ambry Genetics
Classification: Uncertain significance. Last evaluated: 2022-04-13. Review status: criteria provided, single submitter. Criteria: Ambry Variant Classification Scheme 2023. Collection method: clinical testing. Allele origin: germline.

Labcorp Genetics (formerly Invitae), Labcorp
Classification: Uncertain significance for MHC class II deficiency. Last evaluated: 2022-03-04. Review status: criteria provided, single submitter. Criteria: Invitae Variant Classification Sherloc (09022015). Collection method: clinical testing. Allele origin: germline.
Comment: This sequence change replaces arginine, which is basic and polar, with glutamine, which is neutral and polar, at codon 305 of the RFX5 protein (p.Arg305Gln). This variant is present in population databases (rs374354196, gnomAD 0.06%). This variant has not been reported in the literature in individuals affected with RFX5-related conditions. Algorithms developed to predict the effect of missense changes on protein structure and function are either unavailable or do not agree on the potential impact of this missense change (SIFT: "Tolerated"; PolyPhen-2: "Probably Damaging"; Align-GVGD: "Class C0"). In summary, the available evidence is currently insufficient to determine the role of this variant in disease. Therefore, it has been classified as a Variant of Uncertain Significance.

Blueprint Genetics
Classification: Uncertain significance. Last evaluated: 2021-10-28. Review status: criteria provided, single submitter. Criteria: ACMG Guidelines, 2015. Collection method: clinical testing. Allele origin: germline.

NM_001025603.2(RFX5):c.914G>A (p.Arg305Gln)

Gene: RFX5 (regulatory factor X5; minus strand). Cytogenetic location: 1q21.3.
Variant type: single nucleotide variant.
Coding change: c.914G>A on transcript NM_001025603.2 (MANE Select); coding-DNA position 914, G replaced by A.
Protein change: p.Arg305Gln; replaces arginine 305 with glutamine.
Molecular consequence: missense variant.
Genome position (GRCh38, 1-based): chr1:151,343,123, C>T on the plus strand (G>A on the coding strand, the complement: RFX5 is on the minus strand). VCF-style: chr1-151343123-C-T. GRCh37 (hg19) VCF-style: chr1-151315599-C-T.
Other names: c.914G>A, p.Arg305Gln (NM_000449.4, NM_001379412.1, NM_001379413.1 and 5 more transcripts); c.794G>A, p.Arg265Gln (NM_001379419.1, NM_001379420.1); c.914G>A (NM_000449.3); short protein forms R265Q, R305Q.
Identifiers: ClinVar variation 1397108 (VCV001397108.7), dbSNP rs374354196, ClinGen allele CA1089705.